The following is an entry in ClinVar:

NC_000013.10:g.(?_103298624)_(103301856_?)del

Gene: TPP2 (tripeptidyl peptidase 2; plus strand). Cytogenetic location: 13q33.1.
Variant type: Deletion.
Identifiers: ClinVar variation 1068875 (VCV001068875.6).

ClinVar aggregate classification (germline): Pathogenic (1 of 4 stars; one submission).

Conditions:
Evans syndrome, immunodeficiency, and premature immunosenescence associated with tripeptidyl-peptidase II deficiency. Identifiers: MedGen CN231723. Disease mechanism: loss of function.

Submission:

Labcorp Genetics (formerly Invitae), Labcorp
Classification: Pathogenic for Evans syndrome, immunodeficiency, and premature immunosenescence associated with tripeptidyl-peptidase II deficiency. Last evaluated: 2022-03-04. Review status: criteria provided, single submitter. Criteria: Invitae Variant Classification Sherloc (09022015). Collection method: clinical testing. Allele origin: germline.
Comment: For these reasons, this variant has been classified as Pathogenic. A similar copy number variant has been observed in individual(s) with clinical features of TPP2-related conditions (PMID: 33586135). This variant is a gross deletion of the genomic region encompassing exon(s) 20-23 of the TPP2 gene. This deletion is out-of-frame, and is expected to create a premature termination codon and result in an absent or disrupted protein product. Loss-of-function variants in TPP2 are known to be pathogenic (PMID: 25414442).

Literature cited by the submitters: PubMed 33586135; PubMed 25414442.